The following is an entry in ClinVar:

NM_001033855.3(DCLRE1C):c.1769T>C (p.Leu590Pro)

Gene: DCLRE1C (DNA cross-link repair 1C; minus strand). Cytogenetic location: 10p13.
Variant type: single nucleotide variant.
Coding change: c.1769T>C on transcript NM_001033855.3 (MANE Select); coding-DNA position 1769, T replaced by C.
Protein change: p.Leu590Pro; replaces leucine 590 with proline.
Molecular consequence: missense variant. On other transcripts: non-coding transcript variant (4).
Genome position (GRCh38, 1-based): chr10:14,908,718, A>G on the plus strand (T>C on the coding strand, the complement: DCLRE1C is on the minus strand). VCF-style: chr10-14908718-A-G. GRCh37 (hg19) VCF-style: chr10-14950717-A-G.
Other names: c.1409T>C, p.Leu470Pro (NM_001033857.3, NM_001033858.3, NM_001289077.2 and 2 more transcripts); c.1424T>C, p.Leu475Pro (NM_001289076.2, NM_001289078.2, NM_001350966.2 and 1 more transcripts); c.1769T>C, p.Leu590Pro (NM_001350965.2); short protein forms L590P, L470P, L475P.
Identifiers: ClinVar variation 1361671 (VCV001361671.8), dbSNP rs2131772748, ClinGen allele CA376074660.

ClinVar aggregate classification (germline): Uncertain significance (1 of 4 stars; one submission).

Conditions:
Severe combined immunodeficiency due to DCLRE1C deficiency (RS-SCID). Also called: SCID, AUTOSOMAL RECESSIVE, T CELL-NEGATIVE, B CELL-NEGATIVE, NK CELL-POSITIVE, WITH SENSITIVITY TO IONIZING RADIATION. Identifiers: Orphanet 275, MedGen C1865371, MONDO:0011225, OMIM 602450.

Submission:

Labcorp Genetics (formerly Invitae), Labcorp
Classification: Uncertain significance for Athabaskan severe combined immunodeficiency. Last evaluated: 2020-12-31. Review status: criteria provided, single submitter. Criteria: Invitae Variant Classification Sherloc (09022015). Collection method: clinical testing. Allele origin: germline.
Comment: In summary, the available evidence is currently insufficient to determine the role of this variant in disease. Therefore, it has been classified as a Variant of Uncertain Significance. Algorithms developed to predict the effect of missense changes on protein structure and function output the following: SIFT: "Tolerated"; PolyPhen-2: "Benign"; Align-GVGD: "Class C0". The proline amino acid residue is found in multiple mammalian species, suggesting that this missense change does not adversely affect protein function. These predictions have not been confirmed by published functional studies and their clinical significance is uncertain. This variant has not been reported in the literature in individuals with DCLRE1C-related conditions. This variant is not present in population databases (ExAC no frequency). This sequence change replaces leucine with proline at codon 590 of the DCLRE1C protein (p.Leu590Pro). The leucine residue is weakly conserved and there is a moderate physicochemical difference between leucine and proline.